The following is an entry in ClinVar:

NM_012193.4(FZD4):c.1025T>C (p.Met342Thr)

Genes: FZD4 (frizzled class receptor 4; minus strand), PRSS23 (serine protease 23; plus strand). Cytogenetic location: 11q14.2.
Variant type: single nucleotide variant.
Coding change: c.1025T>C on transcript NM_012193.4 (MANE Select); coding-DNA position 1025, T replaced by C.
Protein change: p.Met342Thr; replaces methionine 342 with threonine.
Molecular consequence: missense variant. On other transcripts: non-coding transcript variant (2).
Genome position (GRCh38, 1-based): chr11:86,951,731, A>G on the plus strand (T>C on the coding strand, the complement: FZD4 is on the minus strand). VCF-style: chr11-86951731-A-G. GRCh37 (hg19) VCF-style: chr11-86662773-A-G.
Other names: short protein forms M342T.
Identifiers: ClinVar variation 195278 (VCV000195278.9), dbSNP rs570839659, ClinGen allele CA241624.
Genomic context (GRCh38, chr11:86,951,731, plus strand): 5'-ATGACAATGGTTTTCACTGCGGGGATGGCCCAGGCTGCAATGTGGAAATAAGAGCTGTGC[A>G]TTTCAATGGCTTCATGACCCCATTTGAGTCCTGCTGCCAAAAACCAAGTGAGTGTCAGAA-3'
Protein context (NP_036325.2, residues 332-352): GLKWGHEAIE[Met342Thr]HSSYFHIAAW

ClinVar aggregate classification (germline): Uncertain significance. Review status: criteria provided, multiple submitters, no conflicts (2 of 4 stars). 2 submissions from 2 submitters: Uncertain significance (2). Last evaluated 2022-07-15.

Allele frequency attached by ClinVar (database versions not stated): gnomAD exomes 0.00001; ExAC 0.00002; TOPMed 0.00002; gnomAD 0.00003; 1000 Genomes Project 0.00020; 1000 Genomes Project 30x 0.00031.
gnomAD v4.1: 9 of 1,614,210 alleles (0.00056%); highest among the groups gnomAD compares: African/African-American, 0.008%; no homozygotes.

Submissions (2):

Labcorp Genetics (formerly Invitae), Labcorp
Classification: Uncertain significance. Last evaluated: 2022-07-15. Review status: criteria provided, single submitter. Criteria: Invitae Variant Classification Sherloc (09022015). Collection method: clinical testing. Allele origin: germline.
Comment: In summary, the available evidence is currently insufficient to determine the role of this variant in disease. Therefore, it has been classified as a Variant of Uncertain Significance. Algorithms developed to predict the effect of missense changes on protein structure and function are either unavailable or do not agree on the potential impact of this missense change (SIFT: "Deleterious"; PolyPhen-2: "Benign"; Align-GVGD: "Class C0"). ClinVar contains an entry for this variant (Variation ID: 195278). This variant has not been reported in the literature in individuals affected with FZD4-related conditions. This variant is present in population databases (rs570839659, gnomAD 0.01%). This sequence change replaces methionine, which is neutral and non-polar, with threonine, which is neutral and polar, at codon 342 of the FZD4 protein (p.Met342Thr).

Eurofins Ntd Llc (ga)
Classification: Uncertain significance. Last evaluated: 2014-09-03. Review status: criteria provided, single submitter. Criteria: EGL Classification Definitions 2015. Collection method: clinical testing. Allele origin: germline. Observed: 1 variant allele, 1 heterozygote.